The following is an entry in ClinVar:

ClinVar aggregate classification (germline): Benign/Likely benign. Review status: criteria provided, multiple submitters, no conflicts (2 of 4 stars). 10 submissions from 9 submitters: Benign (4); Likely benign (6). Last evaluated 2026-01-31.

Conditions:
RYR1-related disorder. Also called: RYR1-related condition; RYR1-related disorders. Identifiers: MedGen CN239331.
Malignant hyperthermia, susceptibility to, 1 (MHS1). Also called: RYR1-Related Malignant Hyperthermia Susceptibility; Anesthesia related hyperthermia; Malignant hyperpyrexia; Fulminating hyperpyrexia; Pharmacogenic myopathy; Malignant hyperthermia suceptibility 1. Identifiers: Orphanet 423, MedGen C2930980, MONDO:0007783, OMIM 145600.
Congenital multicore myopathy with external ophthalmoplegia (CMYO1B). Also called: MULTIMINICORE DISEASE WITH EXTERNAL OPHTHALMOPLEGIA; Congenital myopathy 1B, autosomal recessive; Minicore myopathy; Minicore myopathy with external ophthalmoplegia; MULTICORE MYOPATHY. Identifiers: Orphanet 598, Orphanet 98905, MedGen C1850674, MONDO:0009712, OMIM 255320, HP:0003789.

Allele frequency attached by ClinVar (database versions not stated): gnomAD exomes 0.00075; ExAC 0.00090; gnomAD 0.00242 and 0.00260; TOPMed 0.00284; ESP Exome Variant Server 0.00308; 1000 Genomes Project 0.00479; 1000 Genomes Project 30x 0.00515.
gnomAD v4.1: 719 of 1,613,082 alleles (0.045%); highest among the groups gnomAD compares: African/African-American, 0.8%; 1 homozygote.

Submissions (10):

Labcorp Genetics (formerly Invitae), Labcorp
Classification: Benign for RYR1-related disorder. Last evaluated: 2026-01-31. Review status: criteria provided, single submitter. Criteria: Invitae Variant Classification Sherloc (09022015). Collection method: clinical testing. Allele origin: germline.

Mayo Clinic Laboratories, Mayo Clinic
Classification: Likely benign. Last evaluated: 2025-04-23. Review status: criteria provided, single submitter. Criteria: ACMG Guidelines, 2015. Collection method: clinical testing. Allele origin: germline. Observed: 3 variant alleles.
Comment: BS1, BP4, BP7

Blueprint Genetics
Classification: Likely benign. Last evaluated: 2024-09-16. Review status: criteria provided, single submitter. Criteria: ACMG Guidelines, 2015. Collection method: clinical testing. Allele origin: germline.

All of Us Research Program, National Institutes of Health
Classification: Benign for Malignant hyperthermia, susceptibility to, 1. Last evaluated: 2024-02-05. Review status: criteria provided, single submitter. Criteria: ACMG Guidelines, 2015. Collection method: clinical testing. Allele origin: germline. Inheritance: Autosomal dominant inheritance. Observed: 184 variant alleles, 184 heterozygotes.
Comment: This study involves interpretation of variants in research participants for the purpose of population health screening. Participant phenotype was not available at the time of variant classification. Additional details can be found in publication PMID: 35346344, PMCID: PMC8962531

Color Diagnostics, LLC DBA Color Health
Classification: Benign for Malignant hyperthermia, susceptibility to, 1. Last evaluated: 2022-09-16. Review status: criteria provided, single submitter. Criteria: ACMG Guidelines, 2015. Collection method: clinical testing. Allele origin: germline.

GeneDx
Classification: Likely benign. Last evaluated: 2021-02-01. Review status: criteria provided, single submitter. Criteria: GeneDx Variant Classification Process June 2021. Collection method: clinical testing. Allele origin: germline. Affected: yes.

PreventionGenetics, part of Exact Sciences
Classification: Benign. Last evaluated: 2018-01-16. Review status: criteria provided, single submitter. Criteria: ACMG Guidelines, 2015. Collection method: clinical testing. Allele origin: germline.

Illumina Laboratory Services, Illumina
Classification: Likely benign for Congenital multicore myopathy with external ophthalmoplegia. Last evaluated: 2018-01-12. Review status: criteria provided, single submitter. Criteria: ICSL Variant Classification Criteria 13 December 2019. Collection method: clinical testing. Allele origin: germline.
Comment: This variant was observed in the ICSL laboratory as part of a predisposition screen in an ostensibly healthy population. It had not been previously curated by ICSL or reported in the Human Gene Mutation Database (HGMD: prior to June 1st, 2018), and was therefore a candidate for classification through an automated scoring system. Utilizing variant allele frequency, disease prevalence and penetrance estimates, and inheritance mode, an automated score was calculated to assess if this variant is too frequent to cause the disease. Based on the score and internal cut-off values, a variant classified as likely benign is not then subjected to further curation. The score for this variant resulted in a classification of likely benign for this disease.

Illumina Laboratory Services, Illumina
Classification: Likely benign for Malignant hyperthermia, susceptibility to, 1. Last evaluated: 2018-01-12. Review status: criteria provided, single submitter. Criteria: ICSL Variant Classification Criteria 13 December 2019. Collection method: clinical testing. Allele origin: germline.
Comment: the same text as in the submission from Illumina Laboratory Services, Illumina above.

Eurofins Ntd Llc (ga)
Classification: Likely benign. Last evaluated: 2014-10-31. Review status: criteria provided, single submitter. Criteria: EGL Classification Definitions 2015. Collection method: clinical testing. Allele origin: germline. Observed: 2 variant alleles, 2 heterozygotes.

NM_000540.3(RYR1):c.11360-9T>A

Gene: RYR1 (ryanodine receptor 1; plus strand). Cytogenetic location: 19q13.2.
Variant type: single nucleotide variant.
Coding change: c.11360-9T>A on transcript NM_000540.3 (MANE Select); 9 bases into the intron before coding-DNA position 11360, T replaced by A.
Molecular consequence: intron variant.
Genome position (GRCh38, 1-based): chr19:38,535,132, T>A. VCF-style: chr19-38535132-T-A. GRCh37 (hg19) VCF-style: chr19-39025772-T-A.
Other names: p.?; c.11345-9T>A (NM_001042723.2).
Identifiers: ClinVar variation 198941 (VCV000198941.26), dbSNP rs150187840, ClinGen allele CA023911.
Genomic context (GRCh38, chr19:38,535,132, plus strand): 5'-GTTTTCTGGTGGGTGGAACACACTGCCTTCCAACTGGGTGGACCATCTTTTTTCTCCCAC[T>A]CCCTCCAGGAGAGACAGGTGCCATGGTGTCCTCCACCCTGAAGCTGGGCATCTCCATCCT-3'